The following is an entry in ClinVar:

NM_001195305.3(BBIP1):c.251A>G (p.Glu84Gly)

Gene: BBIP1 (BBSome interacting protein 1; minus strand). Cytogenetic location: 10q25.2.
Variant type: single nucleotide variant.
Coding change: c.251A>G on transcript NM_001195305.3 (MANE Select); coding-DNA position 251, A replaced by G.
Protein change: p.Glu84Gly; replaces glutamic acid 84 with glycine.
Molecular consequence: missense variant. On other transcripts: 3 prime UTR variant (1).
Genome position (GRCh38, 1-based): chr10:110,900,388, T>C on the plus strand (A>G on the coding strand, the complement: BBIP1 is on the minus strand). VCF-style: chr10-110900388-T-C. GRCh37 (hg19) VCF-style: chr10-112660146-T-C.
Other names: c.251A>G (NM_001195306.1); c.*96A>G (NM_001195304.2); c.251A>G, p.Glu84Gly (NM_001195306.2); c.176A>G, p.Glu59Gly (NM_001195307.2); c.185A>G, p.Glu62Gly (NM_001243783.3); short protein forms E84G, E59G, E62G.
Identifiers: ClinVar variation 1475343 (VCV001475343.7), dbSNP rs1463142359, ClinGen allele CA378388631.

ClinVar aggregate classification (germline): Uncertain significance. Review status: criteria provided, multiple submitters, no conflicts (2 of 4 stars). 2 submissions from 2 submitters: Uncertain significance (2). Last evaluated 2024-12-23.

Conditions:
BBIP1-related disorder. Also called: BBIP1-related condition.

Allele frequency attached by ClinVar (database versions not stated): gnomAD 0.00001; gnomAD exomes 0.00001; TOPMed 0.00001.
gnomAD v4.1: 19 of 1,535,272 alleles (0.0012%); highest among the groups gnomAD compares: Middle Eastern, 0.018%; no homozygotes.

Submissions (2):

PreventionGenetics, part of Exact Sciences
Classification: Uncertain significance for BBIP1-related condition. Last evaluated: 2024-12-23. Review status: criteria provided, single submitter. Criteria: ACMG Guidelines, 2015. Collection method: clinical testing. Allele origin: germline.
Comment: The BBIP1 c.251A>G variant is predicted to result in the amino acid substitution p.Glu84Gly. To our knowledge, this variant has not been reported in the literature. This variant is reported in 0.0045% of alleles in individuals of South Asian descent in gnomAD. At this time, the clinical significance of this variant is uncertain due to the absence of conclusive functional and genetic evidence.

Labcorp Genetics (formerly Invitae), Labcorp
Classification: Uncertain significance. Last evaluated: 2022-07-12. Review status: criteria provided, single submitter. Criteria: Invitae Variant Classification Sherloc (09022015). Collection method: clinical testing. Allele origin: germline.
Comment: In summary, the available evidence is currently insufficient to determine the role of this variant in disease. Therefore, it has been classified as a Variant of Uncertain Significance. Algorithms developed to predict the effect of missense changes on protein structure and function are either unavailable or do not agree on the potential impact of this missense change (SIFT: "Tolerated"; PolyPhen-2: "Possibly Damaging"; Align-GVGD: "Class C0"). ClinVar contains an entry for this variant (Variation ID: 1475343). This variant has not been reported in the literature in individuals affected with BBIP1-related conditions. This variant is present in population databases (no rsID available, gnomAD 0.004%). This sequence change replaces glutamic acid, which is acidic and polar, with glycine, which is neutral and non-polar, at codon 84 of the BBIP1 protein (p.Glu84Gly).